The following is an entry in ClinVar:

NM_001034853.2(RPGR):c.27del (p.Asp10fs)

Genes: RPGR (retinitis pigmentosa GTPase regulator; minus strand), LOC130068098 (ATAC-STARR-seq lymphoblastoid silent region 20735; plus strand). Cytogenetic location: Xp11.4.
Variant type: Deletion.
Coding change: c.27del on transcript NM_001034853.2 (MANE Select); coding-DNA position 27, one base deleted (C; older notation c.27delC).
Protein change: p.Asp10fs; shifts the reading frame from aspartic acid 10.
Molecular consequence: frameshift variant. On other transcripts: non-coding transcript variant (5).
Genome position (GRCh38, 1-based): chrX:38,327,341, G deleted on the plus strand (C on the coding strand, the reverse complement: RPGR is on the minus strand); the first of 3 consecutive G bases (chrX:38,327,341-38,327,343); deleting any one gives the same sequence. VCF-style (leftmost placement, unchanged base first): chrX-38327340-CG-C. GRCh37 (hg19) VCF-style: chrX-38186593-CG-C.
Other names: NM_001034853.2:c.27del; c.27del, p.Asp10fs (NM_000328.3, NM_001367245.1, NM_001367246.1 and 4 more transcripts); short protein forms D10fs.
Identifiers: ClinVar variation 4082170 (VCV004082170.1).

ClinVar aggregate classification (germline): Pathogenic (3 of 4 stars; one submission).

Conditions:
RPGR-related retinopathy. Also called: RPGR retinopathy. Identifiers: MedGen CN305589, MONDO:0100437.

Submission:

ClinGen X-linked Inherited Retinal Disease Variant Curation Expert Panel, ClinGen
Classification: Pathogenic for RPGR-related retinopathy. Last evaluated: 2025-09-05. Review status: reviewed by expert panel. Criteria: ClinGen X LinkedIRD ACMG Specifications RPGR V1.0.0. Collection method: curation. Allele origin: germline. Inheritance: X-linked inheritance.
Comment: NM_001034853.2(RPGR):c.27del (p.Asp10IlefsTer?) is a frameshift variant due to 1-nucleotide deletion introducing a premature stop codon within exon 1 of 15 that is predicted to trigger nonsense-mediated decay (PVS1). This variant is absent from gnomAD v4.1.0 (PM2_Supporting). This variant has been reported in at least 1 proband meeting one of the PS4 requirements of a male with some functional vision impairment by age 30 years and/or decreased or absent electroretinogram responses (PMID: 30105367, PMID: 29528978). However, PS4_Supporting requires at least 2 unrelated probands, so this criterion was not met. At least one proband harboring this variant exhibits a phenotype including family history consistent with X-linked inheritance (2 pts) with relatively mild female phenotypes (1 pt), reduced visual acuity (0.5 pts), abnormal fundus autofluorescence imaging, bone spicule pigmentation of the retina (0.5 pts), and optic disc pallor (0.5 pts), however, the PP4 code was not met due to the unreported age of onset (4.5 total points, PMID: 29528978). The variant has been reported to segregate with retinal dystrophy through at least 12 affected meioses from 1 family (PP1_Moderate; PMID: 30105367, PMID: 29528978). In summary, this variant is classified as pathogenic for RPGR-related retinopathy based on the ClinGen X-linked Inherited Retinal Disease Expert Panel Specifications to the ACMG/AMP Variant Interpretation Guidelines for RPGR Version 1.0.0; PVS1, PM2_Supporting, and PP1_Moderate.